The following continues an entry in ClinVar:

NM_000257.4(MYH7):c.3830G>A (p.Arg1277Gln)

Gene: MYH7. ClinVar aggregate classification (germline): Uncertain significance. Uncertain significance (13).

Submissions 10 to 13 of 13:

CHEO Genetics Diagnostic Laboratory, Children's Hospital of Eastern Ontario
Classification: Uncertain significance for Cardiomyopathy. Last evaluated: 2020-09-30. Review status: criteria provided, single submitter. Criteria: ACMG Guidelines, 2015. Collection method: clinical testing. Allele origin: germline.

Ambry Genetics
Classification: Uncertain significance for Cardiovascular phenotype. Last evaluated: 2019-10-11. Review status: criteria provided, single submitter. Criteria: Ambry Variant Classification Scheme 2023. Collection method: clinical testing. Allele origin: germline.

Laboratory for Molecular Medicine, Mass General Brigham Personalized Medicine
Classification: Uncertain significance. Last evaluated: 2019-04-05. Review status: criteria provided, single submitter. Criteria: ACMG Guidelines, 2015. Collection method: clinical testing. Allele origin: germline.
Comment: The p.Arg1277Gln variant in MYH7 has been identified in 2 individuals with HCM and 1 individual with left ventricular hypertrophy, though one of these individuals also carried an additional likely disease causing variant in another gene (Zou 2013, LMM data). It has also been identified in 2/66738 European chromosomes by the Exome Aggregation Consortium (ExAC; dbSNP rs397516195). Clinvar: VUS (LMM, GeneDx, Invitae). Computational prediction tools and conservation analysis do not provide strong support for or against an impact to the protein. In summary, the clinical significance of the p.Arg1277Gln variant is uncertain.

GeneDx
Classification: Uncertain significance. Last evaluated: 2016-10-14. Review status: criteria provided, single submitter. Criteria: GeneDx Variant Classification (06012015). Collection method: clinical testing. Allele origin: germline. Affected: yes.
Comment: A variant of uncertain significance has been identified in the MYH7 gene. The R1277Q variant has been reported in two Chinese patients with HCM; however, one patient also harbored a loss of function variant in the MYBPC3 gene (Zou et al., 2013). Additionally, this variant has been classified as a variant of uncertain significance by another clinical laboratory in ClinVar (SCV000059520.4; Landrum et al., 2016). The R1277Q variant was not observed in approximately 6,500 individuals of European and African American ancestry in the NHLBI Exome Sequencing Project, indicating it is not a common benign variant in these populations. The R1277Q variant is a semi-conservative amino acid substitution, which may impact secondary protein structure as these residues differ in some properties. However, this substitution occurs at a position where amino acids with similar properties to Arginine are tolerated across species and in silico analysis is inconsistent in its predictions as to whether or not the variant is damaging to the protein structure/function. Therefore, based on the currently available information, it is unclear whether this variant is pathogenic or rare benign.

Literature cited by the submitters: PubMed 23283745 (cited by 5 submitters); PubMed 27532257 (cited by 4 submitters); PubMed 37121957 (cited by Labcorp Genetics (formerly Invitae), Labcorp and Color Diagnostics, LLC DBA Color Health); PubMed 37652022 (cited by Labcorp Genetics (formerly Invitae), Labcorp); PubMed 37907184 (cited by Women's Health and Genetics/Laboratory Corporation of America, LabCorp); PubMed 31104103 (cited by All of Us Research Program, National Institutes of Health and Color Diagnostics, LLC DBA Color Health).